The following is an entry in ClinVar:

ClinVar aggregate classification (germline): Uncertain significance. Review status: criteria provided, multiple submitters, no conflicts (2 of 4 stars). 2 submissions from 2 submitters: Uncertain significance (2). Last evaluated 2025-10-19.

Conditions:
Inborn genetic diseases. Identifiers: MedGen C0950123, MeSH D030342.
Charcot-Marie-Tooth disease type 2. Also called: Charcot-Marie-Tooth type 2. Identifiers: Orphanet 64746, MedGen C0270914, MONDO:0018993.

Submissions (2):

Labcorp Genetics (formerly Invitae), Labcorp
Classification: Uncertain significance for Charcot-Marie-Tooth disease type 2. Last evaluated: 2025-10-19. Review status: criteria provided, single submitter. Criteria: Invitae Variant Classification Sherloc (09022015). Collection method: clinical testing. Allele origin: germline.
Comment: This variant, c.1862_1864del, results in the deletion of 1 amino acid(s) of the MFN2 protein (p.Val621del), but otherwise preserves the integrity of the reading frame. This variant is present in population databases (no rsID available, gnomAD 0.01%). This variant has not been reported in the literature in individuals affected with MFN2-related conditions. Experimental studies and prediction algorithms are not available or were not evaluated, and the functional significance of this variant is currently unknown. In summary, the available evidence is currently insufficient to determine the role of this variant in disease. Therefore, it has been classified as a Variant of Uncertain Significance.

Ambry Genetics
Classification: Uncertain significance for Inborn genetic diseases. Last evaluated: 2019-12-11. Review status: criteria provided, single submitter. Criteria: Ambry Variant Classification Scheme 2023. Collection method: clinical testing. Allele origin: germline.
Comment: The c.1862_1864delTTG variant (also known as p.V621del) is located in coding exon 14 of the MFN2 gene. This variant results from an in-frame TTG deletion at nucleotide positions 1862 to 1864. This results in the in-frame deletion of a valine at codon 621. This amino acid position is highly conserved in available vertebrate species. In addition, this alteration is predicted to be deleterious by in silico analysis (Choi Y et al. PLoS ONE. 2012; 7(10):e46688). Since supporting evidence is limited at this time, the clinical significance of this alteration remains unclear.

NM_014874.4(MFN2):c.1856TTG[2] (p.Val621del)

Gene: MFN2 (mitofusin 2; plus strand). Cytogenetic location: 1p36.22.
Variant type: Microsatellite.
Coding change: c.1856TTG[2] on transcript NM_014874.4 (MANE Select); two copies in a row of the 3-base unit TTG starting at c.1856; the reference has three copies in a row; one copy, 3 bases deleted.
Protein change: p.Val621del; deletes valine 621.
Molecular consequence: inframe deletion. On other transcripts: inframe indel (2).
Genome position (GRCh38, 1-based): chr1:12,006,683-12,006,685, TTG deleted; deleting any 3 consecutive bases within chr1:12,006,677-12,006,685 gives the same sequence; the position shown is the placement nearest the transcript's 3' end. VCF-style (leftmost placement, unchanged base first): chr1-12006676-CTTG-C. GRCh37 (hg19) VCF-style: chr1-12066733-CTTG-C.
Other names: c.1856TTG[2], p.Val621del (NM_001127660.2); c.1856_1858TTG[2], p.Val621del (NM_014874.3); c.1862_1864delTTG (NM_014874.3); short protein forms V621del.
Identifiers: ClinVar variation 1781520 (VCV001781520.5), dbSNP rs1557533412, ClinGen allele CA521455959.